The following is an entry in ClinVar:

NM_017654.4(SAMD9):c.3286AAG[1] (p.Lys1097del)

Gene: SAMD9 (sterile alpha motif domain containing 9; minus strand). Cytogenetic location: 7q21.2.
Variant type: Microsatellite.
Coding change: c.3286AAG[1] on transcript NM_017654.4 (MANE Select); one copy of the 3-base unit AAG starting at c.3286; the reference has two copies in a row; one copy, 3 bases deleted.
Protein change: p.Lys1097del; deletes lysine 1097.
Molecular consequence: inframe deletion.
Genome position (GRCh38, 1-based): chr7:93,102,807-93,102,809, CTT deleted on the plus strand (AAG on the coding strand, the reverse complement: SAMD9 is on the minus strand); deleting any 3 consecutive bases within chr7:93,102,807-93,102,812 gives the same sequence; the position shown is the placement nearest the transcript's 3' end. VCF-style (leftmost placement, unchanged base first): chr7-93102806-CCTT-C. GRCh37 (hg19) VCF-style: chr7-92732119-CCTT-C.
Other names: c.3286AAG[1], p.Lys1097del (NM_001193307.2); short protein forms K1097del.
Identifiers: ClinVar variation 2419449 (VCV002419449.4), dbSNP rs1453292288, ClinGen allele CA576706774.
Genomic context (GRCh38, chr7:93,102,806, plus strand): 5'-AAGAATTGTCAGGTTCTATGATTTTTGCTTGTTTTGCCCAGTTTAGAGCATTGCCAAAGT[CCTT>C]CTTTTTAATGTAGAAATGTCTTGCCAACGCTTGGCAAATGAATGCATTTGGGTTGAACCG-3'

ClinVar aggregate classification (germline): Uncertain significance (1 of 4 stars; one submission).

Submission:

Labcorp Genetics (formerly Invitae), Labcorp
Classification: Uncertain significance. Last evaluated: 2025-03-30. Review status: criteria provided, single submitter. Criteria: Invitae Variant Classification Sherloc (09022015). Collection method: clinical testing. Allele origin: germline.
Comment: This variant, c.3289_3291del, results in the deletion of 1 amino acid(s) of the SAMD9 protein (p.Lys1097del), but otherwise preserves the integrity of the reading frame. This variant is present in population databases (no rsID available, gnomAD 0.0009%). This variant has not been reported in the literature in individuals affected with SAMD9-related conditions. Experimental studies and prediction algorithms are not available or were not evaluated, and the functional significance of this variant is currently unknown. In summary, the available evidence is currently insufficient to determine the role of this variant in disease. Therefore, it has been classified as a Variant of Uncertain Significance.